The following is an entry in ClinVar:

NM_014915.3(ANKRD26):c.107C>T (p.Ser36Leu)

Genes: ANKRD26 (ankyrin repeat domain 26; minus strand), LOC130003554 (ATAC-STARR-seq lymphoblastoid silent region 2243; plus strand). Cytogenetic location: 10p12.1.
Variant type: single nucleotide variant.
Coding change: c.107C>T on transcript NM_014915.3 (MANE Select); coding-DNA position 107, C replaced by T.
Protein change: p.Ser36Leu; replaces serine 36 with leucine.
Molecular consequence: missense variant.
Genome position (GRCh38, 1-based): chr10:27,100,220, G>A on the plus strand (C>T on the coding strand, the complement: ANKRD26 is on the minus strand). VCF-style: chr10-27100220-G-A. GRCh37 (hg19) VCF-style: chr10-27389149-G-A.
Other names: c.107C>T, p.Ser36Leu (NM_001256053.2); short protein forms S36L.
Identifiers: ClinVar variation 5022727 (VCV005022727.1).
Genomic context (GRCh38, chr10:27,100,220, plus strand): 5'-GCGCTGGCAGCTTTGTGGATCTTGCCGAGATCTCGGTCTCGGACGTGGTAGCCGGGCTGC[G>A]AGTAGGCGCCCTCCCCCGGCTCGCCCCCGCCTCCCGCGCTGCTCCTCTGCCGCCGCGCGA-3'
Protein context (NP_055730.2, residues 26-46): GGGEPGEGAY[Ser36Leu]QPGYHVRDRD

ClinVar aggregate classification (germline): Uncertain significance (1 of 4 stars; one submission).

Conditions:
Inborn genetic diseases. Identifiers: MedGen C0950123, MeSH D030342.

gnomAD v4.1: 2 of 1,613,116 alleles (0.00012%); highest among the groups gnomAD compares: East Asian, 0.0022%; no homozygotes.

Submission:

Ambry Genetics
Classification: Uncertain significance for Inborn genetic diseases. Last evaluated: 2026-07-19. Review status: criteria provided, single submitter. Criteria: Ambry Variant Classification Scheme 2023. Collection method: clinical testing. Allele origin: germline.
Comment: The p.S36L variant (also known as c.107C>T), located in coding exon 1 of the ANKRD26 gene, results from a C to T substitution at nucleotide position 107. The serine at codon 36 is replaced by leucine, an amino acid with dissimilar properties. This amino acid position is conserved. In addition, this alteration is predicted to be tolerated by in silico analysis. Based on the available evidence, the clinical significance of this variant remains unclear.